The following is an entry in ClinVar:

ClinVar aggregate classification (germline): Uncertain significance (1 of 4 stars; one submission).

Conditions:
Brachyolmia-amelogenesis imperfecta syndrome. Also called: PLATYSPONDYLY WITH AMELOGENESIS IMPERFECTA; Tooth agenesis, selective, 6; Dental anomalies and short stature. Identifiers: Orphanet 2899, MedGen C1832594, MONDO:0011018, OMIM 601216. Disease mechanism: loss of function.

Submission:

Labcorp Genetics (formerly Invitae), Labcorp
Classification: Uncertain significance for Brachyolmia-amelogenesis imperfecta syndrome. Last evaluated: 2024-05-20. Review status: criteria provided, single submitter. Criteria: Invitae Variant Classification Sherloc (09022015). Collection method: clinical testing. Allele origin: germline.
Comment: This sequence change replaces cysteine, which is neutral and slightly polar, with tyrosine, which is neutral and polar, at codon 359 of the LTBP3 protein (p.Cys359Tyr). This variant is not present in population databases (gnomAD no frequency). This variant has not been reported in the literature in individuals affected with LTBP3-related conditions. An algorithm developed to predict the effect of missense changes on protein structure and function (PolyPhen-2) suggests that this variant is likely to be disruptive. In summary, the available evidence is currently insufficient to determine the role of this variant in disease. Therefore, it has been classified as a Variant of Uncertain Significance.

NM_001130144.3(LTBP3):c.1076G>A (p.Cys359Tyr)

Gene: LTBP3 (latent transforming growth factor beta binding protein 3; minus strand). Cytogenetic location: 11q13.1.
Variant type: single nucleotide variant.
Coding change: c.1076G>A on transcript NM_001130144.3 (MANE Select); coding-DNA position 1076, G replaced by A.
Protein change: p.Cys359Tyr; replaces cysteine 359 with tyrosine.
Molecular consequence: missense variant.
Genome position (GRCh38, 1-based): chr11:65,552,970, C>T on the plus strand (G>A on the coding strand, the complement: LTBP3 is on the minus strand). VCF-style: chr11-65552970-C-T. GRCh37 (hg19) VCF-style: chr11-65320441-C-T.
Other names: c.725G>A, p.Cys242Tyr (NM_001164266.1); c.1076G>A, p.Cys359Tyr (NM_021070.4); short protein forms C359Y, C242Y.
Identifiers: ClinVar variation 3653916 (VCV003653916.2).